The following is an entry in ClinVar:

ClinVar aggregate classification (germline): Uncertain significance (1 of 4 stars; one submission).

Allele frequency attached by ClinVar (database versions not stated): ExAC 0.00001.

Submission:

GeneDx
Classification: Uncertain significance. Last evaluated: 2022-09-16. Review status: criteria provided, single submitter. Criteria: GeneDx Variant Classification Process June 2021. Collection method: clinical testing. Allele origin: germline. Affected: yes.
Comment: In silico analysis supports that this missense variant has a deleterious effect on protein structure/function; Has not been previously published as pathogenic or benign to our knowledge

NM_001197104.2(KMT2A):c.1997G>T (p.Gly666Val)

Gene: KMT2A (lysine methyltransferase 2A; plus strand). Cytogenetic location: 11q23.3.
Variant type: single nucleotide variant.
Coding change: c.1997G>T on transcript NM_001197104.2 (MANE Select); coding-DNA position 1997, G replaced by T.
Protein change: p.Gly666Val; replaces glycine 666 with valine.
Molecular consequence: missense variant.
Genome position (GRCh38, 1-based): chr11:118,473,156, G>T. VCF-style: chr11-118473156-G-T. GRCh37 (hg19) VCF-style: chr11-118343871-G-T.
Other names: c.2096G>T, p.Gly699Val (NM_001412597.1); c.1997G>T, p.Gly666Val (NM_005933.4); short protein forms G666V, G699V.
Identifiers: ClinVar variation 2444769 (VCV002444769.1), dbSNP rs782290578, ClinGen allele CA6303467.